The following is an entry in ClinVar:

NM_000238.4(KCNH2):c.280G>C (p.Val94Leu)

Gene: KCNH2 (potassium voltage-gated channel subfamily H member 2; minus strand). Cytogenetic location: 7q36.1.
Variant type: single nucleotide variant.
Coding change: c.280G>C on transcript NM_000238.4 (MANE Select); coding-DNA position 280, G replaced by C.
Protein change: p.Val94Leu; replaces valine 94 with leucine.
Molecular consequence: missense variant.
Genome position (GRCh38, 1-based): chr7:150,974,738, C>G on the plus strand (G>C on the coding strand, the complement: KCNH2 is on the minus strand). VCF-style: chr7-150974738-C-G. GRCh37 (hg19) VCF-style: chr7-150671826-C-G.
Other names: c.103G>C, p.Val35Leu (NM_001406755.1); c.280G>C, p.Val94Leu (NM_172056.3); short protein forms V94L, V35L.
Identifiers: ClinVar variation 1052852 (VCV001052852.11), dbSNP rs756115394, ClinGen allele CA034895.
Genomic context (GRCh38, chr7:150,974,738, plus strand): 5'-CCTGGTCGTGGCCCCGCCCCGGCCCGCTCCTACCATCTTTCCGGTAGAAGGCGATTTCCA[C>G]TTTGCGCTCCTCGGCGCCCAGCAGTGCCTGCGCGATCTGCGCGGCAGCGCGGCGCTGCGT-3'
Protein context (NP_000229.1, residues 84-104): QALLGAEERK[Val94Leu]EIAFYRKDGS

ClinVar aggregate classification (germline): Uncertain significance (1 of 4 stars; one submission).

Conditions:
Long QT syndrome (LQTS). Identifiers: MedGen C0023976, MeSH D008133, MONDO:0002442. Disease mechanism: loss of function. Inheritance: Various modes of inheritance.

Submission:

Labcorp Genetics (formerly Invitae), Labcorp
Classification: Uncertain significance for Long QT syndrome. Last evaluated: 2023-10-13. Review status: criteria provided, single submitter. Criteria: Invitae Variant Classification Sherloc (09022015). Collection method: clinical testing. Allele origin: germline.
Comment: This sequence change replaces valine, which is neutral and non-polar, with leucine, which is neutral and non-polar, at codon 94 of the KCNH2 protein (p.Val94Leu). This variant is not present in population databases (gnomAD no frequency). This missense change has been observed in individuals with clinical features of long QT syndrome (Invitae). ClinVar contains an entry for this variant (Variation ID: 1052852). An algorithm developed to predict the effect of missense changes on protein structure and function (PolyPhen-2) suggests that this variant is likely to be disruptive. This variant disrupts the p.Val94 amino acid residue in KCNH2. Other variant(s) that disrupt this residue have been observed in individuals with KCNH2-related conditions (PMID: 21956039; Invitae), which suggests that this may be a clinically significant amino acid residue. In summary, the available evidence is currently insufficient to determine the role of this variant in disease. Therefore, it has been classified as a Variant of Uncertain Significance.

Literature cited by the submitters: PubMed 21956039.